The following is an entry in ClinVar:

ClinVar aggregate classification (germline): Pathogenic (1 of 4 stars; one submission).

Submission:

Labcorp Genetics (formerly Invitae), Labcorp
Classification: Pathogenic. Last evaluated: 2025-04-10. Review status: criteria provided, single submitter. Criteria: Invitae Variant Classification Sherloc (09022015). Collection method: clinical testing. Allele origin: germline.
Comment: This sequence change creates a premature translational stop signal (p.Ser195Valfs*75) in the NOG gene. While this is not anticipated to result in nonsense mediated decay, it is expected to disrupt the last 38 amino acid(s) of the NOG protein. This variant is not present in population databases (gnomAD no frequency). This variant has not been reported in the literature in individuals affected with NOG-related conditions. This variant disrupts a region of the NOG protein in which other variant(s) (p.Tyr222Cys) have been determined to be pathogenic (PMID: 10080184, 11545688). This suggests that this is a clinically significant region of the protein, and that variants that disrupt it are likely to be disease-causing. For these reasons, this variant has been classified as Pathogenic.

Literature cited by the submitters: PubMed 10080184; PubMed 11545688.

NM_005450.6(NOG):c.581dup (p.Ser195fs)

Gene: NOG (noggin; plus strand). Cytogenetic location: 17q22.
Variant type: Duplication.
Coding change: c.581dup on transcript NM_005450.6 (MANE Select); coding-DNA position 581, one base duplicated (C; older notation c.581dupC).
Protein change: p.Ser195fs; shifts the reading frame from serine 195.
Molecular consequence: frameshift variant.
Genome position (GRCh38, 1-based): chr17:56,594,804, C duplicated; the last of 2 consecutive C bases (chr17:56,594,803-56,594,804); duplicating either gives the same sequence. VCF-style (leftmost placement, unchanged base first): chr17-56594802-G-GC. GRCh37 (hg19) VCF-style: chr17-54672163-G-GC.
Other names: short protein forms S195fs.
Identifiers: ClinVar variation 4711977 (VCV004711977.1).
Genomic context (GRCh38, chr17:56,594,802, plus strand): 5'-GAAGGTGGGCAGCTGCTTCAGTAAGCGCTCGTGCTCCGTGCCCGAGGGCATGGTGTGCAA[G>GC]CCGTCCAAGTCCGTGCACCTCACGGTGCTGCGGTGGCGCTGTCAGCGGCGCGGGGGCCAG-3'